The following is an entry in ClinVar:

ClinVar aggregate classification (germline): Uncertain significance (1 of 4 stars; one submission).

Submission:

GeneDx
Classification: Uncertain significance. Last evaluated: 2024-05-21. Review status: criteria provided, single submitter. Criteria: GeneDx Variant Classification Process June 2021. Collection method: clinical testing. Allele origin: germline. Affected: yes.
Comment: In-frame deletion of 4 amino acids in a non-repeat region; Not observed at significant frequency in large population cohorts (gnomAD); In silico analysis indicates that this variant does not alter protein structure/function; Has not been previously published as pathogenic or benign to our knowledge.

NM_138576.4(BCL11B):c.1991_2002del (p.Pro664_Gly667del)

Gene: BCL11B (BCL11 transcription factor B; minus strand). Cytogenetic location: 14q32.2.
Variant type: Deletion.
Coding change: c.1991_2002del on transcript NM_138576.4 (MANE Select); coding-DNA positions 1991 to 2002, 12 bases deleted (CCTTCCCCGGGC).
Protein change: p.Pro664_Gly667del.
Molecular consequence: inframe deletion.
Genome position (GRCh38, 1-based): chr14:99,174,834-99,174,845, GCCCGGGGAAGG deleted on the plus strand (CCTTCCCCGGGC on the coding strand, the reverse complement: BCL11B is on the minus strand); deleting any 12 consecutive bases within chr14:99,174,834-99,174,847 gives the same sequence; the c. name uses the placement nearest the transcript's 3' end. VCF-style (leftmost placement, unchanged base first): chr14-99174833-AGCCCGGGGAAGG-A. GRCh37 (hg19) VCF-style: chr14-99641170-AGCCCGGGGAAGG-A.
Other names: c.1988_1999del, p.Pro663_Gly666del (NM_001282237.2); c.1775_1786del, p.Pro592_Gly595del (NM_001282238.2); c.1778_1789del, p.Pro593_Gly596del (NM_022898.3).
Identifiers: ClinVar variation 3381670 (VCV003381670.1).
Genomic context (GRCh38, chr14:99,174,833, plus strand): 5'-ATGCGCTTGGCGGCGCTGTTGAGCCCGGGGCTGGGCAGCGGCGCGGGCTTGCGCGGGAAG[AGCCCGGGGAAGG>A]GCTCGGTGCCTGGCGCGAAGCCGCCCCCGCGCCCGTTGACCGCGCCGCCCGCGCCCGCGT-3'